The following is an entry in ClinVar:

ClinVar aggregate classification (germline): Uncertain significance (1 of 4 stars; one submission).

Submission:

Ambry Genetics
Classification: Uncertain significance. Last evaluated: 2023-03-23. Review status: criteria provided, single submitter. Criteria: Ambry Variant Classification Scheme 2023. Collection method: clinical testing. Allele origin: germline.
Comment: The p.I333L variant (also known as c.997A>C), located in coding exon 7 of the IDH1 gene, results from an A to C substitution at nucleotide position 997. The isoleucine at codon 333 is replaced by leucine, an amino acid with highly similar properties. This amino acid position is conserved. In addition, the in silico prediction for this alteration is inconclusive. Since supporting evidence is limited at this time, the clinical significance of this alteration remains unclear.

NM_005896.4(IDH1):c.997A>C (p.Ile333Leu)

Gene: IDH1 (isocitrate dehydrogenase (NADP(+)) 1; minus strand). Cytogenetic location: 2q34.
Variant type: single nucleotide variant.
Coding change: c.997A>C on transcript NM_005896.4 (MANE Select); coding-DNA position 997, A replaced by C.
Protein change: p.Ile333Leu; replaces isoleucine 333 with leucine.
Molecular consequence: missense variant.
Genome position (GRCh38, 1-based): chr2:208,239,228, T>G on the plus strand (A>C on the coding strand, the complement: IDH1 is on the minus strand). VCF-style: chr2-208239228-T-G. GRCh37 (hg19) VCF-style: chr2-209103952-T-G.
Other names: c.997A>C, p.Ile333Leu (NM_001282386.1, NM_001282387.1); short protein forms I333L.
Identifiers: ClinVar variation 2567499 (VCV002567499.2), dbSNP rs1687873174, ClinGen allele CA350094897.
Genomic context (GRCh38, chr2:208,239,228, plus strand): 5'-CAAGCTCTTTATTGTTATCAAGCTTTGCTCTGTGGGCTAACCCTCTGGTCCAGGCAAAAA[T>G]GGAAGCTAAAAGAGGGGAAAAAAAACACAACACTCCAATCATCCTAGTTATAGAGGTTTC-3'
Protein context (NP_005887.2, residues 323-343): QETSTNPIAS[Ile333Leu]FAWTRGLAHR